The following is an entry in ClinVar:

NM_139321.3(ATRN):c.887G>A (p.Arg296Gln)

Gene: ATRN (attractin; plus strand). Cytogenetic location: 20p13.
Variant type: single nucleotide variant.
Coding change: c.887G>A on transcript NM_139321.3 (MANE Select); coding-DNA position 887, G replaced by A.
Protein change: p.Arg296Gln; replaces arginine 296 with glutamine.
Molecular consequence: missense variant.
Genome position (GRCh38, 1-based): chr20:3,547,433, G>A. VCF-style: chr20-3547433-G-A. GRCh37 (hg19) VCF-style: chr20-3528080-G-A.
Other names: c.539G>A, p.Arg180Gln (NM_001207047.3); c.887G>A, p.Arg296Gln (NM_001323332.2, NM_139322.4); short protein forms R180Q, R296Q.
Identifiers: ClinVar variation 1967367 (VCV001967367.5), dbSNP rs1466163945, ClinGen allele CA408253394.

ClinVar aggregate classification (germline): Uncertain significance (1 of 4 stars; one submission).

Allele frequency attached by ClinVar (database versions not stated): gnomAD exomes 0.00001.
gnomAD v4.1: 11 of 1,614,134 alleles (0.00068%); highest among the groups gnomAD compares: Non-Finnish European, 0.00093%; no homozygotes.

Submission:

Labcorp Genetics (formerly Invitae), Labcorp
Classification: Uncertain significance. Last evaluated: 2022-06-13. Review status: criteria provided, single submitter. Criteria: Invitae Variant Classification Sherloc (09022015). Collection method: clinical testing. Allele origin: germline.
Comment: In summary, the available evidence is currently insufficient to determine the role of this variant in disease. Therefore, it has been classified as a Variant of Uncertain Significance. Algorithms developed to predict the effect of missense changes on protein structure and function are either unavailable or do not agree on the potential impact of this missense change (SIFT: "Deleterious"; PolyPhen-2: "Benign"; Align-GVGD: "Class C0"). This variant has not been reported in the literature in individuals affected with ATRN-related conditions. This variant is present in population databases (no rsID available, gnomAD 0.0009%). This sequence change replaces arginine, which is basic and polar, with glutamine, which is neutral and polar, at codon 296 of the ATRN protein (p.Arg296Gln).